The following is an entry in ClinVar:

NM_000260.4(MYO7A):c.5481-83A>G

Gene: MYO7A (myosin VIIA; plus strand). Cytogenetic location: 11q13.5.
Variant type: single nucleotide variant.
Coding change: c.5481-83A>G on transcript NM_000260.4 (MANE Select); 83 bases into the intron before coding-DNA position 5481, A replaced by G.
Molecular consequence: intron variant.
Genome position (GRCh38, 1-based): chr11:77,205,379, A>G. VCF-style: chr11-77205379-A-G. GRCh37 (hg19) VCF-style: chr11-76916424-A-G.
Other names: c.5334-83A>G (NM_001369365.1); c.5367-83A>G (NM_001127180.2).
Identifiers: ClinVar variation 678838 (VCV000678838.5), dbSNP rs11237121, ClinGen allele CA13422792.

ClinVar aggregate classification (germline): Benign. Review status: criteria provided, multiple submitters, no conflicts (2 of 4 stars). 5 submissions from 3 submitters: Benign (5). Last evaluated 2021-07-01.

Conditions:
Usher syndrome type 1 (USH1). Also called: RETINITIS PIGMENTOSA AND CONGENITAL DEAFNESS. Identifiers: Orphanet 231169, Orphanet 886, MedGen C1568247, MONDO:0010168, OMIM 276900.
Autosomal recessive nonsyndromic hearing loss 2. Also called: DEAFNESS, AUTOSOMAL RECESSIVE 2; NEUROSENSORY NONSYNDROMIC RECESSIVE DEAFNESS 2. Identifiers: Orphanet 90636, MedGen C1838701, MONDO:0010807, OMIM 600060.
Autosomal dominant nonsyndromic hearing loss 11. Identifiers: Orphanet 90635, MedGen C1832475, MONDO:0011032, OMIM 601317.

Allele frequency attached by ClinVar (database versions not stated): 1000 Genomes Project 0.54193; gnomAD exomes 0.54316; 1000 Genomes Project 30x 0.54622; gnomAD 0.57347 and 0.58275; TOPMed 0.58031.
gnomAD v4.1: 802,791 of 1,471,460 alleles (55%); highest among the groups gnomAD compares: Admixed American, 65%; 221,835 homozygotes.

Submissions (5):

Genome-Nilou Lab
Classification: Benign for Autosomal dominant nonsyndromic hearing loss 11. Last evaluated: 2021-07-01. Review status: criteria provided, single submitter. Criteria: ACMG Guidelines, 2015. Collection method: clinical testing. Allele origin: germline. Affected: no.

Genome-Nilou Lab
Classification: Benign for Autosomal recessive nonsyndromic hearing loss 2. Last evaluated: 2021-07-01. Review status: criteria provided, single submitter. Criteria: ACMG Guidelines, 2015. Collection method: clinical testing. Allele origin: germline. Affected: no.

Genome-Nilou Lab
Classification: Benign for Usher syndrome type 1. Last evaluated: 2021-07-01. Review status: criteria provided, single submitter. Criteria: ACMG Guidelines, 2015. Collection method: clinical testing. Allele origin: germline. Affected: no.

GeneDx
Classification: Benign. Last evaluated: 2018-06-13. Review status: criteria provided, single submitter. Criteria: GeneDx Variant Classification (06012015). Collection method: clinical testing. Allele origin: germline. Affected: yes.
Comment: This variant is considered likely benign or benign based on one or more of the following criteria: it is a conservative change, it occurs at a poorly conserved position in the protein, it is predicted to be benign by multiple in silico algorithms, and/or has population frequency not consistent with disease.

Breakthrough Genomics
Classification: Benign. Review status: criteria provided, single submitter. Criteria: ACMG Guidelines, 2015. Collection method: not provided. Allele origin: germline. Inheritance: Autosomal recessive inheritance. Affected: yes.